The following is an entry in ClinVar:

ClinVar aggregate classification (germline): Uncertain significance (1 of 4 stars; one submission).

Conditions:
Wilms tumor 1 (WT1). Also called: Wilms tumor, somatic. Identifiers: Orphanet 654, MedGen CN033288, MONDO:0008679, OMIM 194070.

Allele frequency attached by ClinVar (database versions not stated): gnomAD exomes below 0.00001.
gnomAD v4.1: 2 of 1,198,527 alleles (0.00017%); highest among the groups gnomAD compares: Non-Finnish European, 0.00011%; no homozygotes.

Submission:

Labcorp Genetics (formerly Invitae), Labcorp
Classification: Uncertain significance for Wilms tumor 1. Last evaluated: 2023-09-09. Review status: criteria provided, single submitter. Criteria: Invitae Variant Classification Sherloc (09022015). Collection method: clinical testing. Allele origin: germline.
Comment: In summary, the available evidence is currently insufficient to determine the role of this variant in disease. Therefore, it has been classified as a Variant of Uncertain Significance. Advanced modeling of protein sequence and biophysical properties (such as structural, functional, and spatial information, amino acid conservation, physicochemical variation, residue mobility, and thermodynamic stability) performed at Invitae indicates that this missense variant is expected to disrupt GPC3 protein function. This variant has not been reported in the literature in individuals affected with GPC3-related conditions. This variant is not present in population databases (gnomAD no frequency). This sequence change replaces proline, which is neutral and non-polar, with leucine, which is neutral and non-polar, at codon 457 of the GPC3 protein (p.Pro457Leu).

NM_004484.4(GPC3):c.1370C>T (p.Pro457Leu)

Gene: GPC3 (glypican 3; minus strand). Cytogenetic location: Xq26.2.
Variant type: single nucleotide variant.
Coding change: c.1370C>T on transcript NM_004484.4 (MANE Select); coding-DNA position 1370, C replaced by T.
Protein change: p.Pro457Leu; replaces proline 457 with leucine.
Molecular consequence: missense variant.
Genome position (GRCh38, 1-based): chrX:133,661,773, G>A on the plus strand (C>T on the coding strand, the complement: GPC3 is on the minus strand). VCF-style: chrX-133661773-G-A. GRCh37 (hg19) VCF-style: chrX-132795801-G-A.
Other names: c.1439C>T, p.Pro480Leu (NM_001164617.2); c.1322C>T, p.Pro441Leu (NM_001164618.2); c.1208C>T, p.Pro403Leu (NM_001164619.2); short protein forms P403L, P441L, P480L, P457L.
Identifiers: ClinVar variation 2894024 (VCV002894024.3), dbSNP rs2521015985, ClinGen allele CA414704487.